The following is an entry in ClinVar:

NM_013382.7(POMT2):c.416A>G (p.His139Arg)

Gene: POMT2 (protein O-mannosyltransferase 2; minus strand). Cytogenetic location: 14q24.3.
Variant type: single nucleotide variant.
Coding change: c.416A>G on transcript NM_013382.7 (MANE Select); coding-DNA position 416, A replaced by G.
Protein change: p.His139Arg; replaces histidine 139 with arginine.
Molecular consequence: missense variant.
Genome position (GRCh38, 1-based): chr14:77,306,359, T>C on the plus strand (A>G on the coding strand, the complement: POMT2 is on the minus strand). VCF-style: chr14-77306359-T-C. GRCh37 (hg19) VCF-style: chr14-77772702-T-C.
Other names: short protein forms H139R.
Identifiers: ClinVar variation 647612 (VCV000647612.1), dbSNP rs1594800188, ClinGen allele CA390520959.

ClinVar aggregate classification (germline): Uncertain significance (1 of 4 stars; one submission).

Conditions:
Muscular dystrophy-dystroglycanopathy (congenital with brain and eye anomalies), type A2. Also called: WALKER-WARBURG SYNDROME OR MUSCLE-EYE-BRAIN DISEASE, POMT2-RELATED; MUSCULAR DYSTROPHY-DYSTROGLYCANOPATHY (CONGENITAL WITH BRAIN AND EYE ANOMALIES), TYPE A, 2. Identifiers: Orphanet 588, Orphanet 899, MedGen C3150411, MONDO:0013154, OMIM 613150.
Muscular dystrophy-dystroglycanopathy (congenital with impaired intellectual development), type B, 2. Also called: Muscular dystrophy-dystroglycanopathy (congenital with intellectual disability), type B2; MUSCULAR DYSTROPHY, CONGENITAL, POMT2-RELATED. Identifiers: MedGen C3150416, MONDO:0013160, OMIM 613156.
Autosomal recessive limb-girdle muscular dystrophy type 2N. Also called: MUSCULAR DYSTROPHY-DYSTROGLYCANOPATHY, LIMB-GIRDLE, POMT2-RELATED; Muscular dystrophy-dystroglycanopathy (limb-girdle), type C, 2. Identifiers: Orphanet 206559, MedGen C3150418, MONDO:0013162, OMIM 613158.

Allele frequency attached by ClinVar (database versions not stated): gnomAD exomes below 0.00001.
gnomAD v4.1: 1 of 1,613,086 alleles (0.000062%); highest among the groups gnomAD compares: South Asian, 0.0011%; no homozygotes.

Submission:

Labcorp Genetics (formerly Invitae), Labcorp
Classification: Uncertain significance for Congenital muscular dystrophy-dystroglycanopathy with mental retardation, type B2; Congenital muscular dystrophy-dystroglycanopathy with brain and eye anomalies, type A2; Limb-girdle muscular dystrophy-dystroglycanopathy, type C2. Last evaluated: 2018-09-25. Review status: criteria provided, single submitter. Criteria: Invitae Variant Classification Sherloc (09022015). Collection method: clinical testing. Allele origin: germline.
Comment: This sequence change replaces histidine with arginine at codon 139 of the POMT2 protein (p.His139Arg). The histidine residue is highly conserved and there is a small physicochemical difference between histidine and arginine. This variant is not present in population databases (ExAC no frequency). This variant has not been reported in the literature in individuals with POMT2-related disease. Algorithms developed to predict the effect of missense changes on protein structure and function are either unavailable or do not agree on the potential impact of this missense change (SIFT: "Tolerated"; PolyPhen-2: "Possibly Damaging"; Align-GVGD: "Class C0"). In summary, the available evidence is currently insufficient to determine the role of this variant in disease. Therefore, it has been classified as a Variant of Uncertain Significance.